The following is an entry in ClinVar:

ClinVar aggregate classification (germline): Pathogenic (1 of 4 stars; one submission).

Submission:

Labcorp Genetics (formerly Invitae), Labcorp
Classification: Pathogenic. Last evaluated: 2024-02-04. Review status: criteria provided, single submitter. Criteria: Invitae Variant Classification Sherloc (09022015). Collection method: clinical testing. Allele origin: germline.
Comment: This sequence change creates a premature translational stop signal (p.Arg137Lysfs*6) in the HPS5 gene. It is expected to result in an absent or disrupted protein product. Loss-of-function variants in HPS5 are known to be pathogenic (PMID: 12548288, 15296495, 21833017, 26785811). This variant is not present in population databases (gnomAD no frequency). This variant has not been reported in the literature in individuals affected with HPS5-related conditions. For these reasons, this variant has been classified as Pathogenic.

Literature cited by the submitters: PubMed 12548288; PubMed 15296495; PubMed 21833017; PubMed 26785811.

NM_181507.2(HPS5):c.409dup (p.Arg137fs)

Gene: HPS5 (HPS5 biogenesis of lysosomal organelles complex 2 subunit 2; minus strand). Cytogenetic location: 11p15.1.
Variant type: Duplication.
Coding change: c.409dup on transcript NM_181507.2 (MANE Select); coding-DNA position 409, one base duplicated (A; older notation c.409dupA).
Protein change: p.Arg137fs; shifts the reading frame from arginine 137.
Molecular consequence: frameshift variant.
Genome position (GRCh38, 1-based): chr11:18,310,809, T duplicated on the plus strand (A on the coding strand, the reverse complement: HPS5 is on the minus strand). VCF-style (leftmost placement, unchanged base first): chr11-18310808-C-CT. GRCh37 (hg19) VCF-style: chr11-18332355-C-CT.
Other names: c.67dup, p.Arg23fs (NM_007216.4); c.67dup, p.Arg23Lysfs (NM_181508.2); short protein forms R137fs, R23fs.
Identifiers: ClinVar variation 3638752 (VCV003638752.2).